The following is an entry in ClinVar:

NM_000343.4(SLC5A1):c.596C>T (p.Ala199Val)

Gene: SLC5A1 (solute carrier family 5 member 1; plus strand). Cytogenetic location: 22q12.3.
Variant type: single nucleotide variant.
Coding change: c.596C>T on transcript NM_000343.4 (MANE Select); coding-DNA position 596, C replaced by T.
Protein change: p.Ala199Val; replaces alanine 199 with valine.
Molecular consequence: missense variant.
Genome position (GRCh38, 1-based): chr22:32,083,086, C>T. VCF-style: chr22-32083086-C-T. GRCh37 (hg19) VCF-style: chr22-32479073-C-T.
Other names: c.215C>T, p.Ala72Val (NM_001256314.2); c.596C>T (NM_000343.3); short protein forms A199V, A72V.
Identifiers: ClinVar variation 2059165 (VCV002059165.3), dbSNP rs756414305, ClinGen allele CA10198017.
Genomic context (GRCh38, chr22:32,083,086, plus strand): 5'-GGTCACCCTCCACACGAGGTCAGATGTGTTGTCTTCTTGCCTGCTTAGGGGGCCTGGCGG[C>T]GGTGATTTACACGGACACCTTGCAGACGGTGATCATGCTGGTGGGGTCTTTAATCCTGAC-3'
Protein context (NP_000334.1, residues 189-209): ALYTITGGLA[Ala199Val]VIYTDTLQTV

ClinVar aggregate classification (germline): Uncertain significance. Review status: criteria provided, multiple submitters, no conflicts (2 of 4 stars). 2 submissions from 2 submitters: Uncertain significance (2). Last evaluated 2024-10-04.

Conditions:
Inborn genetic diseases. Identifiers: MedGen C0950123, MeSH D030342.
Congenital glucose-galactose malabsorption (GGM). Also called: MONOSACCHARIDE MALABSORPTION; DIARRHEA 16. Identifiers: Orphanet 35710, MedGen C0268186, MONDO:0011731, OMIM 606824.

Allele frequency attached by ClinVar (database versions not stated): gnomAD exomes below 0.00001; ExAC 0.00001; gnomAD 0.00001; TOPMed 0.00002.
gnomAD v4.1: 9 of 1,614,002 alleles (0.00056%); highest among the groups gnomAD compares: South Asian, 0.0011%; no homozygotes.

Submissions (2):

Ambry Genetics
Classification: Uncertain significance for Inborn genetic diseases. Last evaluated: 2024-10-04. Review status: criteria provided, single submitter. Criteria: Ambry Variant Classification Scheme 2023. Collection method: clinical testing. Allele origin: germline.

Labcorp Genetics (formerly Invitae), Labcorp
Classification: Uncertain significance for Congenital glucose-galactose malabsorption. Last evaluated: 2022-07-02. Review status: criteria provided, single submitter. Criteria: Invitae Variant Classification Sherloc (09022015). Collection method: clinical testing. Allele origin: germline.
Comment: In summary, the available evidence is currently insufficient to determine the role of this variant in disease. Therefore, it has been classified as a Variant of Uncertain Significance. Algorithms developed to predict the effect of missense changes on protein structure and function (SIFT, PolyPhen-2, Align-GVGD) all suggest that this variant is likely to be disruptive. This variant has not been reported in the literature in individuals affected with SLC5A1-related conditions. This variant is present in population databases (rs756414305, gnomAD 0.003%). This sequence change replaces alanine, which is neutral and non-polar, with valine, which is neutral and non-polar, at codon 199 of the SLC5A1 protein (p.Ala199Val).